The following is an entry in ClinVar:

NM_006904.7(PRKDC):c.2882T>A (p.Leu961His)

Gene: PRKDC (protein kinase, DNA-activated, catalytic subunit; minus strand). Cytogenetic location: 8q11.21.
Variant type: single nucleotide variant.
Coding change: c.2882T>A on transcript NM_006904.7 (MANE Select); coding-DNA position 2882, T replaced by A.
Protein change: p.Leu961His; replaces leucine 961 with histidine.
Molecular consequence: missense variant.
Genome position (GRCh38, 1-based): chr8:47,912,462, A>T on the plus strand (T>A on the coding strand, the complement: PRKDC is on the minus strand). VCF-style: chr8-47912462-A-T. GRCh37 (hg19) VCF-style: chr8-48825022-A-T.
Other names: c.2882T>A, p.Leu961His (NM_001081640.2); short protein forms L961H.
Identifiers: ClinVar variation 2564512 (VCV002564512.2), dbSNP rs779126829, ClinGen allele CA371158763.

ClinVar aggregate classification (germline): Uncertain significance (1 of 4 stars; one submission).

Submission:

Ambry Genetics
Classification: Uncertain significance. Last evaluated: 2023-03-31. Review status: criteria provided, single submitter. Criteria: Ambry Variant Classification Scheme 2023. Collection method: clinical testing. Allele origin: germline.
Comment: The p.L961H variant (also known as c.2882T>A), located in coding exon 25 of the PRKDC gene, results from a T to A substitution at nucleotide position 2882. The leucine at codon 961 is replaced by histidine, an amino acid with similar properties. This amino acid position is conserved. In addition, this alteration is predicted to be deleterious by in silico analysis. Since supporting evidence is limited at this time, the clinical significance of this alteration remains unclear.